The following is an entry in ClinVar:

ClinVar aggregate classification (germline): Uncertain significance (1 of 4 stars; one submission).

Allele frequency attached by ClinVar (database versions not stated): TOPMed below 0.00001; gnomAD 0.00001; gnomAD exomes 0.00001.
gnomAD v4.1: 7 of 1,613,144 alleles (0.00043%); highest among the groups gnomAD compares: Admixed American, 0.0067%; no homozygotes.

Submission:

Labcorp Genetics (formerly Invitae), Labcorp
Classification: Uncertain significance. Last evaluated: 2024-11-29. Review status: criteria provided, single submitter. Criteria: Invitae Variant Classification Sherloc (09022015). Collection method: clinical testing. Allele origin: germline.
Comment: This sequence change replaces asparagine, which is neutral and polar, with aspartic acid, which is acidic and polar, at codon 310 of the TOP2B protein (p.Asn310Asp). This variant is present in population databases (no rsID available, gnomAD 0.009%). This variant has not been reported in the literature in individuals affected with TOP2B-related conditions. ClinVar contains an entry for this variant (Variation ID: 1908477). An algorithm developed to predict the effect of missense changes on protein structure and function (PolyPhen-2) suggests that this variant is likely to be tolerated. In summary, the available evidence is currently insufficient to determine the role of this variant in disease. Therefore, it has been classified as a Variant of Uncertain Significance.

NM_001330700.2(TOP2B):c.943A>G (p.Asn315Asp)

Gene: TOP2B (DNA topoisomerase II beta; minus strand). Cytogenetic location: 3p24.2.
Variant type: single nucleotide variant.
Coding change: c.943A>G on transcript NM_001330700.2 (MANE Select); coding-DNA position 943, A replaced by G.
Protein change: p.Asn315Asp; replaces asparagine 315 with aspartic acid.
Molecular consequence: missense variant.
Genome position (GRCh38, 1-based): chr3:25,633,924, T>C on the plus strand (A>G on the coding strand, the complement: TOP2B is on the minus strand). VCF-style: chr3-25633924-T-C. GRCh37 (hg19) VCF-style: chr3-25675415-T-C.
Other names: c.928A>G, p.Asn310Asp (NM_001068.3); short protein forms N310D, N315D.
Identifiers: ClinVar variation 1908477 (VCV001908477.5), dbSNP rs1156241206, ClinGen allele CA351911645.
Genomic context (GRCh38, chr3:25,633,924, plus strand): 5'-CAAAGCTGATTTGCTGGAATCCTTTTTCACTCAATGTGAGACAAACATCCCATCTTTCAT[T>C]TGCAAGCTCATGAATAACTTTCAGGGCCACCCCAGTTTCATCCAATTTGTCTTTCACATA-3'
Protein context (NP_001317629.1, residues 305-325): VALKVIHELA[Asn315Asp]ERWDVCLTLS